The following is an entry in ClinVar:

ClinVar aggregate classification (germline): Conflicting classifications of pathogenicity. Review status: criteria provided, conflicting classifications (1 of 4 stars). 4 submissions from 4 submitters: Uncertain significance (1); Likely benign (3). Last evaluated 2025-04-14.

Conditions:
ATM-related disorder. Also called: ATM-related disorders; ATM-related condition.
Hereditary cancer-predisposing syndrome. Also called: Tumor predisposition; Neoplastic Syndromes, Hereditary; Hereditary neoplastic syndrome; Hereditary Cancer Syndrome. Identifiers: Orphanet 140162, MedGen C0027672, MeSH D009386, MONDO:0015356.
Ataxia-telangiectasia syndrome (AT). Also called: Ataxia-telangiectasia, complementation group D; AT, COMPLEMENTATION GROUP C; ATAXIA-TELANGIECTASIA, COMPLEMENTATION GROUP A; ATAXIA-TELANGIECTASIA, FRESNO VARIANT; Ataxia-telangiectasia; Ataxia telangiectasia (A-T). Identifiers: Orphanet 100, MedGen C0004135, MONDO:0008840, OMIM 208900.
Familial cancer of breast. Also called: Hereditary breast cancer; hereditary breast carcinoma; BREAST CANCER, FAMILIAL. Identifiers: Orphanet 227535, MedGen C0346153, MONDO:0016419, OMIM 114480. Disease mechanism: loss of function.

Allele frequency attached by ClinVar (database versions not stated): gnomAD exomes below 0.00001.
gnomAD v4.1: 1 of 1,608,290 alleles (0.000062%); highest among the groups gnomAD compares: African/African-American, 0.0013%; no homozygotes.

Submissions (4):

PreventionGenetics, part of Exact Sciences
Classification: Likely benign for ATM-related condition. Last evaluated: 2025-04-14. Review status: criteria provided, single submitter. Criteria: ACMG Guidelines, 2015. Collection method: clinical testing. Allele origin: germline.
Comment: This variant is classified as likely benign based on ACMG/AMP sequence variant interpretation guidelines (Richards et al. 2015 PMID: 25741868, with internal and published modifications).

Labcorp Genetics (formerly Invitae), Labcorp
Classification: Likely benign for Ataxia-telangiectasia syndrome. Last evaluated: 2024-10-09. Review status: criteria provided, single submitter. Criteria: Invitae Variant Classification Sherloc (09022015). Collection method: clinical testing. Allele origin: germline.

Myriad Genetics, Inc.
Classification: Likely benign for Familial cancer of breast. Last evaluated: 2024-06-18. Review status: criteria provided, single submitter. Criteria: Myriad Autosomal Dominant, Autosomal Recessive and X-Linked Classification Criteria (2023). Collection method: clinical testing. Allele origin: unknown.
Comment: This variant is considered likely benign. This variant is intronic and is not expected to impact mRNA splicing.

Color Diagnostics, LLC DBA Color Health
Classification: Uncertain significance for Hereditary cancer-predisposing syndrome. Last evaluated: 2019-01-30. Review status: criteria provided, single submitter. Criteria: ACMG Guidelines, 2015. Collection method: clinical testing. Allele origin: germline.

NM_000051.4(ATM):c.8152-7T>C

Genes: ATM (ATM serine/threonine kinase; plus strand), C11orf65 (chromosome 11 open reading frame 65; minus strand). Cytogenetic location: 11q22.3.
Variant type: single nucleotide variant.
Coding change: c.8152-7T>C on transcript NM_000051.4 (MANE Select); 7 bases into the intron before coding-DNA position 8152, T replaced by C.
Molecular consequence: intron variant.
Genome position (GRCh38, 1-based): chr11:108,335,838, T>C. VCF-style: chr11-108335838-T-C. GRCh37 (hg19) VCF-style: chr11-108206565-T-C.
Other names: c.8152-7T>C (NM_001351834.2); c.641-26767A>G (NM_001330368.2); c.695-546A>G (NM_001351110.2).
Identifiers: ClinVar variation 925794 (VCV000925794.11), dbSNP rs2086778829, ClinGen allele CA913188382.